The following is an entry in ClinVar:

ClinVar aggregate classification (germline): Uncertain significance. Review status: criteria provided, multiple submitters, no conflicts (2 of 4 stars). 5 submissions from 5 submitters: Uncertain significance (5). Last evaluated 2024-04-16.

Conditions:
Cardiovascular phenotype. Identifiers: MedGen CN230736.
Cardiac arrhythmia. Also called: Arrhythmia; Cardiac rhythm disease. Identifiers: MedGen C0003811, MONDO:0007263, HP:0011675.
Long QT syndrome (LQTS). Identifiers: MedGen C0023976, MeSH D008133, MONDO:0002442. Disease mechanism: loss of function. Inheritance: Various modes of inheritance.
Long QT syndrome 2 (LQT2). Identifiers: Orphanet 101016, Orphanet 768, MedGen C3150943, MONDO:0013367, OMIM 613688.

Allele frequency attached by ClinVar (database versions not stated): gnomAD exomes below 0.00001; gnomAD 0.00001; ExAC 0.00002.
gnomAD v4.1: 9 of 1,612,040 alleles (0.00056%); highest among the groups gnomAD compares: South Asian, 0.0033%; no homozygotes.

Submissions (5):

All of Us Research Program, National Institutes of Health
Classification: Uncertain significance for Long QT syndrome. Last evaluated: 2024-04-16. Review status: criteria provided, single submitter. Criteria: ACMG Guidelines, 2015. Collection method: clinical testing. Allele origin: germline. Inheritance: Autosomal dominant inheritance. Observed: 2 variant alleles, 2 heterozygotes.
Comment: This missense variant replaces alanine with threonine at codon 778 of the KCNH2 protein. Computational prediction suggests that this variant may have deleterious impact on protein structure and function (internally defined REVEL score threshold >= 0.7, PMID: 27666373). To our knowledge, functional studies have not been reported for this variant. This variant has been reported in an individual suspected of having epilepsy (PMID: 31696929). This variant has been identified in 1/250918 chromosomes in the general population by the Genome Aggregation Database (gnomAD). The available evidence is insufficient to determine the role of this variant in disease conclusively. Therefore, this variant is classified as a Variant of Uncertain Significance.

This study involves interpretation of variants in research participants for the purpose of population health screening. Participant phenotype was not available at the time of variant classification. Additional details can be found in publication PMID: 35346344, PMCID: PMC8962531

Color Diagnostics, LLC DBA Color Health
Classification: Uncertain significance for Cardiac arrhythmia. Last evaluated: 2024-03-22. Review status: criteria provided, single submitter. Criteria: ACMG Guidelines, 2015. Collection method: clinical testing. Allele origin: germline.
Comment: This missense variant replaces alanine with threonine at codon 778 of the KCNH2 protein. Computational prediction suggests that this variant may have deleterious impact on protein structure and function. To our knowledge, functional studies have not been reported for this variant. This variant has been reported in an individual suspected of having epilepsy (PMID: 31696929). This variant has been identified in 1/250918 chromosomes in the general population by the Genome Aggregation Database (gnomAD). The available evidence is insufficient to determine the role of this variant in disease conclusively. Therefore, this variant is classified as a Variant of Uncertain Significance.

Labcorp Genetics (formerly Invitae), Labcorp
Classification: Uncertain significance for Long QT syndrome. Last evaluated: 2024-03-03. Review status: criteria provided, single submitter. Criteria: Invitae Variant Classification Sherloc (09022015). Collection method: clinical testing. Allele origin: germline.
Comment: This sequence change replaces alanine, which is neutral and non-polar, with threonine, which is neutral and polar, at codon 778 of the KCNH2 protein (p.Ala778Thr). This variant is present in population databases (rs769076001, gnomAD 0.0009%). This variant has not been reported in the literature in individuals affected with KCNH2-related conditions. ClinVar contains an entry for this variant (Variation ID: 979128). An algorithm developed to predict the effect of missense changes on protein structure and function (PolyPhen-2) suggests that this variant is likely to be disruptive. In summary, the available evidence is currently insufficient to determine the role of this variant in disease. Therefore, it has been classified as a Variant of Uncertain Significance.

Ambry Genetics
Classification: Uncertain significance for Cardiovascular phenotype. Last evaluated: 2023-02-03. Review status: criteria provided, single submitter. Criteria: Ambry Variant Classification Scheme 2023. Collection method: clinical testing. Allele origin: germline.
Comment: The p.A778T variant (also known as c.2332G>A), located in coding exon 9 of the KCNH2 gene, results from a G to A substitution at nucleotide position 2332. The alanine at codon 778 is replaced by threonine, an amino acid with similar properties. This amino acid position is well conserved in available vertebrate species; however, threonine is the reference amino acid in other vertebrate species. In addition, this alteration is predicted to be deleterious by in silico analysis. Since supporting evidence is limited at this time, the clinical significance of this alteration remains unclear.

Human Genome Sequencing Center Clinical Lab, Baylor College of Medicine
Classification: Uncertain significance for Long QT syndrome 2. Review status: criteria provided, single submitter. Criteria: ACMG Guidelines, 2015. Collection method: clinical testing. Allele origin: germline.

Literature cited by the submitters: PubMed 31696929 (cited by All of Us Research Program, National Institutes of Health and Color Diagnostics, LLC DBA Color Health).

NM_000238.4(KCNH2):c.2332G>A (p.Ala778Thr)

Gene: KCNH2 (potassium voltage-gated channel subfamily H member 2; minus strand). Cytogenetic location: 7q36.1.
Variant type: single nucleotide variant.
Coding change: c.2332G>A on transcript NM_000238.4 (MANE Select); coding-DNA position 2332, G replaced by A.
Protein change: p.Ala778Thr; replaces alanine 778 with threonine.
Molecular consequence: missense variant.
Genome position (GRCh38, 1-based): chr7:150,950,234, C>T on the plus strand (G>A on the coding strand, the complement: KCNH2 is on the minus strand). VCF-style: chr7-150950234-C-T. GRCh37 (hg19) VCF-style: chr7-150647322-C-T.
Other names: c.1312G>A, p.Ala438Thr (NM_001204798.2, NM_172057.3); c.2044G>A, p.Ala682Thr (NM_001406753.1, NM_001406756.1); c.2155G>A, p.Ala719Thr (NM_001406755.1); c.2032G>A, p.Ala678Thr (NM_001406757.1); c.2332G>A, p.Ala778Thr (NM_172056.3); short protein forms A438T, A778T, A719T, A678T, A682T.
Identifiers: ClinVar variation 979128 (VCV000979128.11), dbSNP rs769076001, ClinGen allele CA031693.
Genomic context (GRCh38, chr7:150,950,234, plus strand): 5'-TGGCCACGACGACGTCGCCCCGCAGGATCTCGATGGAGCCCCGGGAGATGAAGTACAGGG[C>T]GGTGAGCAGGTCCCCAGCATGCACCAGTGTGTCCCCTGGCGGTGCATGTGTGGTCTTGAA-3'
Protein context (NP_000229.1, residues 768-788): TLVHAGDLLT[Ala778Thr]LYFISRGSIE